The following is an entry in ClinVar:

NM_006796.3(AFG3L2):c.2222T>C (p.Met741Thr)

Genes: AFG3L2 (AFG3 like matrix AAA peptidase subunit 2; minus strand), TUBB6 (tubulin beta 6 class V; plus strand). Cytogenetic location: 18p11.21.
Variant type: single nucleotide variant.
Coding change: c.2222T>C on transcript NM_006796.3 (MANE Select); coding-DNA position 2222, T replaced by C.
Protein change: p.Met741Thr; replaces methionine 741 with threonine.
Molecular consequence: missense variant. On other transcripts: 3 prime UTR variant (1).
Genome position (GRCh38, 1-based): chr18:12,329,737, A>G on the plus strand (T>C on the coding strand, the complement: AFG3L2 is on the minus strand). VCF-style: chr18-12329737-A-G. GRCh37 (hg19) VCF-style: chr18-12329736-A-G.
Other names: c.*554A>G (NM_001303525.2); short protein forms M741T.
Identifiers: ClinVar variation 3336248 (VCV003336248.1).

ClinVar aggregate classification (germline): Uncertain significance (1 of 4 stars; one submission).

Submission:

Women's Health and Genetics/Laboratory Corporation of America, LabCorp
Classification: Uncertain significance. Last evaluated: 2024-05-02. Review status: criteria provided, single submitter. Criteria: LabCorp Variant Classification Summary - May 2015. Collection method: clinical testing. Allele origin: germline.
Comment: Variant summary: AFG3L2 c.2222T>C (p.Met741Thr) results in a non-conservative amino acid change located in the Peptidase M41 domain (IPR000642) of the encoded protein sequence. Five of five in-silico tools predict a damaging effect of the variant on protein function. The variant was absent in 251472 control chromosomes. The available data on variant occurrences in the general population are insufficient to allow any conclusion about variant significance. To our knowledge, no occurrence of c.2222T>C in individuals affected with Spinocerebellar Ataxia Type 28 and no experimental evidence demonstrating its impact on protein function have been reported. No submitters have cited clinical-significance assessments for this variant to ClinVar. Based on the evidence outlined above, the variant was classified as uncertain significance.